The following is an entry in ClinVar:

ClinVar aggregate classification (germline): Uncertain significance (1 of 4 stars; one submission).

Conditions:
Geleophysic dysplasia 2 (GPHYSD2). Identifiers: Orphanet 2623, MedGen C3280054, MONDO:0013612, OMIM 614185.
MASS syndrome (OCTD). Also called: MASS PHENOTYPE; OVERLAP CONNECTIVE TISSUE DISEASE. Identifiers: MedGen C1858556, MONDO:0011431, OMIM 604308.
Marfan syndrome (MFS). Also called: MARFAN SYNDROME, TYPE I; FBN1-Related Marfan Syndrome; Marfan syndrome type 1; Marfan's syndrome; Marfan syndrome, classic. Identifiers: Orphanet 284963, Orphanet 558, MedGen C0024796, MONDO:0007947, OMIM 154700.
Ectopia lentis 1, isolated, autosomal dominant (ECTOL1). Identifiers: Orphanet 1885, MedGen C3541518, MONDO:0007514, OMIM 129600.
Stiff skin syndrome (SSKS). Identifiers: Orphanet 2833, MedGen C1861456, MONDO:0008492, OMIM 184900.
Acromicric dysplasia (ACMICD). Also called: Acromicric skeletal dysplasia. Identifiers: Orphanet 969, MedGen C0265287, MONDO:0007055, OMIM 102370.
Progeroid and marfanoid aspect-lipodystrophy syndrome. Also called: MARFANOID-PROGEROID SYNDROME; MARFAN-PROGEROID-LIPODYSTROPHY SYNDROME; Marfan lipodystrophy syndrome; MARFANOID-PROGEROID-LIPODYSTROPHY SYNDROME. Identifiers: Orphanet 300382, MedGen C4310796, MONDO:0014831, OMIM 616914.
Weill-Marchesani syndrome 2, dominant. Also called: Weill-Marchesani Syndrome, Autosomal Dominant; FBN1-Related Weill-Marchesani Syndrome. Identifiers: Orphanet 2084, MedGen C1869115, MONDO:0012013, OMIM 608328.

Allele frequency attached by ClinVar (database versions not stated): gnomAD exomes below 0.00001.
gnomAD v4.1: 2 of 1,613,294 alleles (0.00012%); highest among the groups gnomAD compares: Non-Finnish European, 0.00017%; no homozygotes.

Submission:

Center for Genomics, Ann and Robert H. Lurie Children's Hospital of Chicago
Classification: Uncertain significance for Geleophysic dysplasia 2; Weill-Marchesani syndrome 2, dominant; Ectopia lentis 1, isolated, autosomal dominant; MASS syndrome; Progeroid and marfanoid aspect-lipodystrophy syndrome; Acromicric dysplasia; Marfan syndrome; Stiff skin syndrome. Review status: criteria provided, single submitter. Criteria: ACMG Guidelines, 2015. Collection method: clinical testing. Allele origin: germline.
Comment: This variant has not been reported in the literature and is not present in large control databases. Though this variant occurs in the splice region, computational prediction tools do not suggest that it impacts splicing. In summary, data on this variant is insufficient for disease classification. Therefore, the clinical significance of this variant is uncertain.

NM_000138.5(FBN1):c.6037+9G>A

Gene: FBN1 (fibrillin 1; minus strand). Cytogenetic location: 15q21.1.
Variant type: single nucleotide variant.
Coding change: c.6037+9G>A on transcript NM_000138.5 (MANE Select); 9 bases into the intron after coding-DNA position 6037, G replaced by A.
Molecular consequence: intron variant.
Genome position (GRCh38, 1-based): chr15:48,444,532, C>T on the plus strand (G>A on the coding strand, the complement: FBN1 is on the minus strand). VCF-style: chr15-48444532-C-T. GRCh37 (hg19) VCF-style: chr15-48736729-C-T.
Other names: c.6037+9G>A (NM_001406716.1).
Identifiers: ClinVar variation 2500029 (VCV002500029.2), dbSNP rs2505451687, ClinGen allele CA2580089667.